The following is an entry in ClinVar:

ClinVar aggregate classification (germline): Uncertain significance. Review status: criteria provided, multiple submitters, no conflicts (2 of 4 stars). 2 submissions from 2 submitters: Uncertain significance (2). Last evaluated 2025-04-11.

Conditions:
KBG syndrome (KBGS). Also called: ANKRD11-Related KBG Syndrome. Identifiers: Orphanet 2332, MedGen C0220687, MONDO:0007846, OMIM 148050.

gnomAD v4.1: 1 of 1,613,796 alleles (0.000062%); highest among the groups gnomAD compares: East Asian, 0.0022%; no homozygotes.

Submissions (2):

Labcorp Genetics (formerly Invitae), Labcorp
Classification: Uncertain significance for KBG syndrome. Last evaluated: 2025-04-11. Review status: criteria provided, single submitter. Criteria: Invitae Variant Classification Sherloc (09022015). Collection method: clinical testing. Allele origin: germline.
Comment: This sequence change replaces glutamic acid, which is acidic and polar, with valine, which is neutral and non-polar, at codon 606 of the ANKRD11 protein (p.Glu606Val). This variant is not present in population databases (gnomAD no frequency). This variant has not been reported in the literature in individuals affected with ANKRD11-related conditions. ClinVar contains an entry for this variant (Variation ID: 1311111). Invitae Evidence Modeling of protein sequence and biophysical properties (such as structural, functional, and spatial information, amino acid conservation, physicochemical variation, residue mobility, and thermodynamic stability) indicates that this missense variant is not expected to disrupt ANKRD11 protein function with a negative predictive value of 95%. In summary, the available evidence is currently insufficient to determine the role of this variant in disease. Therefore, it has been classified as a Variant of Uncertain Significance.

GeneDx
Classification: Uncertain significance. Last evaluated: 2019-12-09. Review status: criteria provided, single submitter. Criteria: GeneDx Variant Classification Process June 2021. Collection method: clinical testing. Allele origin: germline. Affected: yes.
Comment: Not observed in large population cohorts (Lek et al., 2016); In silico analysis, which includes protein predictors and evolutionary conservation, supports that this variant does not alter protein structure/function; Has not been previously published as pathogenic or benign to our knowledge

NM_013275.6(ANKRD11):c.1817A>T (p.Glu606Val)

Gene: ANKRD11 (ankyrin repeat domain 11; minus strand). Cytogenetic location: 16q24.3.
Variant type: single nucleotide variant.
Coding change: c.1817A>T on transcript NM_013275.6 (MANE Select); coding-DNA position 1817, A replaced by T.
Protein change: p.Glu606Val; replaces glutamic acid 606 with valine.
Molecular consequence: missense variant.
Genome position (GRCh38, 1-based): chr16:89,284,725, T>A on the plus strand (A>T on the coding strand, the complement: ANKRD11 is on the minus strand). VCF-style: chr16-89284725-T-A. GRCh37 (hg19) VCF-style: chr16-89351133-T-A.
Other names: c.1817A>T, p.Glu606Val (NM_001256182.2, NM_001256183.2); short protein forms E606V.
Identifiers: ClinVar variation 1311111 (VCV001311111.3), dbSNP rs2151762576, ClinGen allele CA397163860.
Genomic context (GRCh38, chr16:89,284,725, plus strand): 5'-CCCTCCTTGTCCAGTTTGGGGACAGCGCCCTCCGCGCTGGACAGGAAGGGGCTCTTCTTC[T>A]CCGACAGGGAGGCTCGCTTCCTGTGCTCCTGCCTCTTCCTCACTGGCTTCAGCGATTCCA-3'
Protein context (NP_037407.4, residues 596-616): QEHRKRASLS[Glu606Val]KKSPFLSSAE